The following is an entry in ClinVar:

NM_000836.4(GRIN2D):c.2912_2953del (p.Gln971_Pro984del)

Gene: GRIN2D (glutamate ionotropic receptor NMDA type subunit 2D; plus strand). Cytogenetic location: 19q13.33.
Variant type: Deletion.
Coding change: c.2912_2953del on transcript NM_000836.4 (MANE Select); coding-DNA positions 2912 to 2953, 42 bases deleted.
Protein change: p.Gln971_Pro984del.
Molecular consequence: inframe deletion.
Genome position (GRCh38, 1-based): chr19:48,442,838-48,442,879, 42 bases deleted; deleting any 42 consecutive bases within chr19:48,442,834-48,442,879 gives the same sequence; the c. name uses the placement nearest the transcript's 3' end. GRCh37 (hg19): chr19:48,946,095-48,946,136.
Identifiers: ClinVar variation 4531730 (VCV004531730.1).

ClinVar aggregate classification (germline): Uncertain significance (1 of 4 stars; one submission).

Conditions:
Developmental and epileptic encephalopathy, 46 (DEE46). Also called: Epileptic encephalopathy, early infantile, 46; GRIN2D-Related Developmental and Epileptic Encephalopathy. Identifiers: MedGen C4310687, MONDO:0014947, OMIM 617162.

Submission:

Victorian Clinical Genetics Services, Murdoch Childrens Research Institute
Classification: Uncertain significance for Developmental and epileptic encephalopathy, 46. Last evaluated: 2025-02-27. Review status: criteria provided, single submitter. Criteria: ACMG Guidelines, 2015. Collection method: clinical testing. Allele origin: germline. Affected: yes.
Comment: This variant is classified as VUS-3B. Evidence in support of pathogenic classification: In-frame deletion in a non-repetitive region that has low conservation; Variant is absent from gnomAD (v2, v3 and v4). Additional information: This variant is heterozygous; This gene is associated with autosomal dominant disease; This variant has no previous evidence of pathogenicity; No published segregation evidence has been identified for this variant; No published functional evidence has been identified for this variant; No comparable in-frame deletion variants have previous evidence for pathogenicity; Variant is not located in an established domain, motif, hotspot or informative constraint region; Loss of function and gain of function are known mechanisms of disease in this gene and are associated with developmental and epileptic encephalopathy 46 (MIM#617162) (PMIDs: 35914066, 31918992, 31504254, 27616483, 33043365).

Literature cited by the submitters: PubMed 31918992; PubMed 27616483; PubMed 35914066; PubMed 33043365; PubMed 31504254.